The following is an entry in ClinVar:

ClinVar aggregate classification (germline): Uncertain significance (1 of 4 stars; one submission).

Submission:

CeGaT Center for Human Genetics Tuebingen
Classification: Uncertain significance. Last evaluated: 2024-11-01. Review status: criteria provided, single submitter. Criteria: CeGaT Center For Human Genetics Tuebingen Variant Classification Criteria Version 2. Collection method: clinical testing. Allele origin: germline. Affected: yes. Observed: 1 variant allele.
Comment: ACSL4: PM2, PP3

NM_001318510.2(ACSL4):c.1315+1G>T

Gene: ACSL4 (acyl-CoA synthetase long chain family member 4; minus strand). Cytogenetic location: Xq23.
Variant type: single nucleotide variant.
Coding change: c.1315+1G>T on transcript NM_001318510.2 (MANE Select); the canonical splice donor site of the intron after coding-DNA position 1315, G replaced by T.
Molecular consequence: splice donor variant.
Genome position (GRCh38, 1-based): chrX:109,668,100, C>A on the plus strand (G>T on the coding strand, the complement: ACSL4 is on the minus strand). VCF-style: chrX-109668100-C-A. GRCh37 (hg19) VCF-style: chrX-108911329-C-A.
Other names: c.1315+1G>T (NM_004458.3); c.1438+1G>T (NM_001318509.2, NM_022977.3).
Identifiers: ClinVar variation 3390262 (VCV003390262.14).
Genomic context (GRCh38, chrX:109,668,100, plus strand): 5'-TGCGAATGTATTTTATTAGTAGCAGCTGATACAGAATATTTACCACATTAATAATGCTTA[C>A]CTTCAGTAACTGTCCCAGCACCACATGATTCTGTCAGTCCATAACCCTGGCCAATTGGGC-3'